The following is an entry in ClinVar:

ClinVar aggregate classification (germline): Likely benign (1 of 4 stars; one submission).

Conditions:
Nemaline myopathy 7 (NEM7). Also called: Nemaline myopathy 7, autosomal recessive. Identifiers: Orphanet 171436, MedGen C1853154, MONDO:0012538, OMIM 610687.

Allele frequency attached by ClinVar (database versions not stated): gnomAD 0.00071 and 0.00078; TOPMed 0.00079; gnomAD exomes 0.00106 and 0.00176; ExAC 0.00526.

Submission:

Illumina Laboratory Services, Illumina
Classification: Likely benign for Nemaline myopathy 7. Last evaluated: 2018-01-13. Review status: criteria provided, single submitter. Criteria: ICSL Variant Classification Criteria 13 December 2019. Collection method: clinical testing. Allele origin: germline.
Comment: This variant was observed in the ICSL laboratory as part of a predisposition screen in an ostensibly healthy population. It had not been previously curated by ICSL or reported in the Human Gene Mutation Database (HGMD: prior to June 1st, 2018), and was therefore a candidate for classification through an automated scoring system. Utilizing variant allele frequency, disease prevalence and penetrance estimates, and inheritance mode, an automated score was calculated to assess if this variant is too frequent to cause the disease. Based on the score and internal cut-off values, a variant classified as likely benign is not then subjected to further curation. The score for this variant resulted in a classification of likely benign for this disease.

NM_138638.5(CFL2):c.*1268C>T

Gene: CFL2 (cofilin 2; minus strand). Cytogenetic location: 14q13.1.
Variant type: single nucleotide variant.
Coding change: c.*1268C>T on transcript NM_138638.5 (MANE Select); 1268 bases downstream of the stop codon, C replaced by T.
Molecular consequence: 3 prime UTR variant. On other transcripts: non-coding transcript variant (2).
Genome position (GRCh38, 1-based): chr14:34,711,597, G>A on the plus strand (C>T on the coding strand, the complement: CFL2 is on the minus strand). VCF-style: chr14-34711597-G-A. GRCh37 (hg19) VCF-style: chr14-35180803-G-A.
Other names: c.*1268C>T (NM_001243645.2, NM_021914.8).
Identifiers: ClinVar variation 883716 (VCV000883716.4), dbSNP rs753086248, ClinGen allele CA7152177.